The following is an entry in ClinVar:

ClinVar aggregate classification (germline): Uncertain significance (1 of 4 stars; one submission).

Conditions:
Chédiak-Higashi syndrome (CHS). Also called: Chediak-Higashi Syndrome. Identifiers: Orphanet 167, MedGen C0007965, MONDO:0008963, OMIM 214500.

Submission:

Labcorp Genetics (formerly Invitae), Labcorp
Classification: Uncertain significance for Chédiak-Higashi syndrome. Last evaluated: 2022-09-07. Review status: criteria provided, single submitter. Criteria: Invitae Variant Classification Sherloc (09022015). Collection method: clinical testing. Allele origin: germline.
Comment: In summary, the available evidence is currently insufficient to determine the role of this variant in disease. Therefore, it has been classified as a Variant of Uncertain Significance. Algorithms developed to predict the effect of missense changes on protein structure and function (SIFT, PolyPhen-2, Align-GVGD) all suggest that this variant is likely to be tolerated. This variant has not been reported in the literature in individuals affected with LYST-related conditions. This variant is not present in population databases (gnomAD no frequency). This sequence change replaces glutamic acid, which is acidic and polar, with lysine, which is basic and polar, at codon 1357 of the LYST protein (p.Glu1357Lys).

NM_000081.4(LYST):c.4069G>A (p.Glu1357Lys)

Gene: LYST (lysosomal trafficking regulator; minus strand). Cytogenetic location: 1q42.3.
Variant type: single nucleotide variant.
Coding change: c.4069G>A on transcript NM_000081.4 (MANE Select); coding-DNA position 4069, G replaced by A.
Protein change: p.Glu1357Lys; replaces glutamic acid 1357 with lysine.
Molecular consequence: missense variant.
Genome position (GRCh38, 1-based): chr1:235,793,550, C>T on the plus strand (G>A on the coding strand, the complement: LYST is on the minus strand). VCF-style: chr1-235793550-C-T. GRCh37 (hg19) VCF-style: chr1-235956850-C-T.
Other names: c.4069G>A, p.Glu1357Lys (NM_001301365.1); short protein forms E1357K.
Identifiers: ClinVar variation 1718966 (VCV001718966.3), dbSNP rs2526933236, ClinGen allele CA344960708.
Genomic context (GRCh38, chr1:235,793,550, plus strand): 5'-ATAGCATATTTACTGTACAAGGAGATTTCTCCAGAAATATTCTCAAAAGAAGGGTTAGCT[C>T]TTCTGAACATGTTCTTGAACTCATCAAAGATACCAAAAGATCCACCAATACTCTCTGGCA-3'
Protein context (NP_000072.2, residues 1347-1367): SLMSSRTCSE[Glu1357Lys]LTLLLRIFLE